The following is an entry in ClinVar:

ClinVar aggregate classification (germline): Uncertain significance. Review status: criteria provided, single submitter (1 of 4 stars). 2 submissions from 2 submitters: Uncertain significance (1). 1 of the submissions does not count toward it. Last evaluated 2025-08-02.

Conditions:
AKR1C4-related disorder. Also called: AKR1C4-related condition.

gnomAD v4.1: 110 of 1,614,220 alleles (0.0068%); highest among the groups gnomAD compares: African/African-American, 0.11%; no homozygotes.

Submissions (2):

Ambry Genetics
Classification: Uncertain significance. Last evaluated: 2025-08-02. Review status: criteria provided, single submitter. Criteria: Ambry Variant Classification Scheme 2023. Collection method: clinical testing. Allele origin: germline.

PreventionGenetics, part of Exact Sciences
Classification: Uncertain significance for AKR1C4-related condition. Last evaluated: 2024-07-10. Review status: no assertion criteria provided. Collection method: clinical testing. Allele origin: germline. Not counted in ClinVar's aggregate classification.
Comment: The AKR1C4 c.193A>G variant is predicted to result in the amino acid substitution p.Ile65Val. To our knowledge, this variant has not been reported in the literature. This variant is reported in 0.092% of alleles in individuals of African descent in gnomAD. This variant is not reported in the ClinVar database. At this time, the clinical significance of this variant is uncertain due to the absence of conclusive functional and genetic evidence.

NM_001818.5(AKR1C4):c.193A>G (p.Ile65Val)

Gene: AKR1C4 (aldo-keto reductase family 1 member C4; plus strand). Cytogenetic location: 10p15.1.
Variant type: single nucleotide variant.
Coding change: c.193A>G on transcript NM_001818.5 (MANE Select); coding-DNA position 193, A replaced by G.
Protein change: p.Ile65Val; replaces isoleucine 65 with valine.
Molecular consequence: missense variant.
Genome position (GRCh38, 1-based): chr10:5,200,289, A>G. VCF-style: chr10-5200289-A-G. GRCh37 (hg19) VCF-style: chr10-5242252-A-G.
Other names: short protein forms I65V.
Identifiers: ClinVar variation 3350455 (VCV003350455.2).
Genomic context (GRCh38, chr10:5,200,289, plus strand): 5'-GGCTTCCGCCATATTGATTCTGCTTATTTATACAATAATGAGGAGCAGGTTGGACTGGCC[A>G]TCCGAAGCAAGATTGCAGATGGCAGTGTGAAGAGAGAAGACATATTCTACACTTCAAAGG-3'
Protein context (NP_001809.4, residues 55-75): YNNEEQVGLA[Ile65Val]RSKIADGSVK